The following is an entry in ClinVar:

ClinVar aggregate classification (germline): Uncertain significance (1 of 4 stars; one submission).

Conditions:
PLXNA4-related disorder. Also called: PLXNA4-related condition.

gnomAD v4.1: 53 of 1,614,080 alleles (0.0033%); highest among the groups gnomAD compares: Non-Finnish European, 0.0039%; no homozygotes.

Submission:

PreventionGenetics, part of Exact Sciences
Classification: Uncertain significance for PLXNA4-related condition. Last evaluated: 2025-10-28. Review status: criteria provided, single submitter. Criteria: ACMG Guidelines, 2015. Collection method: clinical testing. Allele origin: germline.
Comment: The PLXNA4 c.2716G>A variant is predicted to result in the amino acid substitution p.Asp906Asn. To our knowledge, this variant has not been reported in the literature. This variant is reported in 0.0047% of alleles in individuals of European (Non-Finnish) descent in gnomAD. At this time, the clinical significance of this variant is uncertain due to the absence of conclusive functional and genetic evidence.

NM_020911.2(PLXNA4):c.2716G>A (p.Asp906Asn)

Gene: PLXNA4 (plexin A4; minus strand). Cytogenetic location: 7q32.3.
Variant type: single nucleotide variant.
Coding change: c.2716G>A on transcript NM_020911.2 (MANE Select); coding-DNA position 2716, G replaced by A.
Protein change: p.Asp906Asn; replaces aspartic acid 906 with asparagine.
Molecular consequence: missense variant.
Genome position (GRCh38, 1-based): chr7:132,198,507, C>T on the plus strand (G>A on the coding strand, the complement: PLXNA4 is on the minus strand). VCF-style: chr7-132198507-C-T. GRCh37 (hg19) VCF-style: chr7-131883266-C-T.
Other names: c.2716G>A, p.Asp906Asn (NM_001393897.1); short protein forms D906N.
Identifiers: ClinVar variation 4979878 (VCV004979878.1).